The following is an entry in ClinVar:

NM_005360.5(MAF):c.72C>G (p.Asp24Glu)

Gene: MAF (MAF bZIP transcription factor; minus strand). Cytogenetic location: 16q23.2.
Variant type: single nucleotide variant.
Coding change: c.72C>G on transcript NM_005360.5 (MANE Select); coding-DNA position 72, C replaced by G.
Protein change: p.Asp24Glu; replaces aspartic acid 24 with glutamic acid.
Molecular consequence: missense variant.
Genome position (GRCh38, 1-based): chr16:79,599,831, G>C on the plus strand (C>G on the coding strand, the complement: MAF is on the minus strand). VCF-style: chr16-79599831-G-C. GRCh37 (hg19) VCF-style: chr16-79633728-G-C.
Other names: c.72C>G, p.Asp24Glu (NM_001031804.3); short protein forms D24E.
Identifiers: ClinVar variation 3346476 (VCV003346476.1).
Genomic context (GRCh38, chr16:79,599,831, plus strand): 5'-GCTGATGATGCGGTCGGTCTCCACCGGTTCCTTTTTCACTTCAAACTTCATCAGATCGAA[G>C]TCATTAACATATTCCATGGCCAGGGGACTGGTGGGCAGGTCGGAGTTGCTCATTGCCAGT-3'
Protein context (NP_005351.2, residues 14-34): TSPLAMEYVN[Asp24Glu]FDLMKFEVKK

ClinVar aggregate classification (germline): Uncertain significance (0 of 4 stars; one submission).

Conditions:
MAF-related disorder. Also called: MAF-related condition.

Submission:

PreventionGenetics, part of Exact Sciences
Classification: Uncertain significance for MAF-related condition. Last evaluated: 2024-09-16. Review status: no assertion criteria provided. Collection method: clinical testing. Allele origin: germline.
Comment: The MAF c.72C>G variant is predicted to result in the amino acid substitution p.Asp24Glu. To our knowledge, this variant has not been reported in the literature or in a large population database, indicating this variant is rare. At this time, the clinical significance of this variant is uncertain due to the absence of conclusive functional and genetic evidence.